The following is an entry in ClinVar:

NM_000517.6(HBA2):c.137_241del (p.His46_Ala80del)

Genes: HBA2 (hemoglobin subunit alpha 2; plus strand), LOC106804612 (hemoglobin subunit alpha 2 recombination region; plus strand). Cytogenetic location: 16p13.3.
Variant type: Deletion.
Coding change: c.137_241del on transcript NM_000517.6 (MANE Select); coding-DNA positions 137 to 241, 105 bases deleted.
Protein change: p.His46_Ala80del.
Molecular consequence: inframe deletion.
Genome position (GRCh38, 1-based): chr16:173,166-173,270, 105 bases deleted. GRCh37 (hg19): chr16:223,165-223,269.
Identifiers: ClinVar variation 4818627 (VCV004818627.1).

ClinVar aggregate classification (germline): Likely pathogenic (1 of 4 stars; one submission).

Conditions:
alpha Thalassemia. Also called: Alpha thalassemia spectrum. Identifiers: Orphanet 846, MedGen C0002312, MONDO:0011399, OMIM 604131.

Submission:

Natera, Inc.
Classification: Likely pathogenic for Alpha thalassemia. Last evaluated: 2025-09-29. Review status: criteria provided, single submitter. Criteria: Natera Variant Classification Schema (03/2026). Collection method: clinical testing. Allele origin: germline.
Comment: The c.137_241del variant in HBA2 is an in-frame deletion. This variant is rare in the general population with a frequency below the threshold expected for the associated phenotype(s). This variant results in a change to the protein length while preserving reading frame, which may disrupt normal protein structure or function. A different variant at the same position has been determined to be Pathogenic or Likely Pathogenic. Given the available evidence, this variant is classified as Likely Pathogenic.